The following is an entry in ClinVar:

ClinVar aggregate classification (germline): Uncertain significance. Review status: criteria provided, multiple submitters, no conflicts (2 of 4 stars). 2 submissions from 2 submitters: Uncertain significance (2). Last evaluated 2022-03-04.

Conditions:
Brody myopathy. Also called: BRODY DISEASE. Identifiers: Orphanet 53347, MedGen C1832918, MONDO:0010977, OMIM 601003.

Allele frequency attached by ClinVar (database versions not stated): ExAC 0.00001; gnomAD 0.00001; gnomAD exomes 0.00001; TOPMed 0.00002.
gnomAD v4.1: 7 of 1,613,912 alleles (0.00043%); highest among the groups gnomAD compares: African/African-American, 0.004%; no homozygotes.

Submissions (2):

Labcorp Genetics (formerly Invitae), Labcorp
Classification: Uncertain significance for Brody myopathy. Last evaluated: 2022-03-04. Review status: criteria provided, single submitter. Criteria: Invitae Variant Classification Sherloc (09022015). Collection method: clinical testing. Allele origin: germline.
Comment: This sequence change replaces histidine, which is basic and polar, with tyrosine, which is neutral and polar, at codon 882 of the ATP2A1 protein (p.His882Tyr). This variant is present in population databases (rs756859416, gnomAD 0.004%). This variant has not been reported in the literature in individuals affected with ATP2A1-related conditions. ClinVar contains an entry for this variant (Variation ID: 1327294). Algorithms developed to predict the effect of missense changes on protein structure and function (SIFT, PolyPhen-2, Align-GVGD) all suggest that this variant is likely to be tolerated. In summary, the available evidence is currently insufficient to determine the role of this variant in disease. Therefore, it has been classified as a Variant of Uncertain Significance.

GeneDx
Classification: Uncertain significance. Last evaluated: 2021-12-06. Review status: criteria provided, single submitter. Criteria: GeneDx Variant Classification Process June 2021. Collection method: clinical testing. Allele origin: germline. Affected: yes.
Comment: Not observed at significant frequency in large population cohorts (Lek et al., 2016); In silico analysis supports that this missense variant does not alter protein structure/function; Has not been previously published as pathogenic or benign to our knowledge

NM_004320.6(ATP2A1):c.2644C>T (p.His882Tyr)

Gene: ATP2A1 (ATPase sarcoplasmic/endoplasmic reticulum Ca2+ transporting 1; plus strand). Cytogenetic location: 16p11.2.
Variant type: single nucleotide variant.
Coding change: c.2644C>T on transcript NM_004320.6 (MANE Select); coding-DNA position 2644, C replaced by T.
Protein change: p.His882Tyr; replaces histidine 882 with tyrosine.
Molecular consequence: missense variant.
Genome position (GRCh38, 1-based): chr16:28,902,811, C>T. VCF-style: chr16-28902811-C-T. GRCh37 (hg19) VCF-style: chr16-28914132-C-T.
Other names: c.2269C>T, p.His757Tyr (NM_001286075.2); c.2644C>T, p.His882Tyr (NM_173201.5); short protein forms H757Y, H882Y.
Identifiers: ClinVar variation 1327294 (VCV001327294.3), dbSNP rs756859416, ClinGen allele CA7987344.